The following is an entry in ClinVar:

NM_000057.4(BLM):c.3678C>A (p.Cys1226Ter)

Gene: BLM (BLM RecQ like helicase; plus strand). Cytogenetic location: 15q26.1.
Variant type: single nucleotide variant.
Coding change: c.3678C>A on transcript NM_000057.4 (MANE Select); coding-DNA position 3678, C replaced by A.
Protein change: p.Cys1226Ter; replaces cysteine 1226 with a stop codon.
Molecular consequence: nonsense. On other transcripts: intron variant (1).
Genome position (GRCh38, 1-based): chr15:90,804,286, C>A. VCF-style: chr15-90804286-C-A. GRCh37 (hg19) VCF-style: chr15-91347516-C-A.
Other names: c.3678C>A, p.Cys1226Ter (NM_001287246.2); c.2553C>A, p.Cys851Ter (NM_001287248.2); c.3359-4851C>A (NM_001287247.2); c.3678C>A (NM_000057.3); short protein forms C1226*, C851*.
Identifiers: ClinVar variation 1450937 (VCV001450937.11), dbSNP rs1897236255, ClinGen allele CA393848147.
Genomic context (GRCh38, chr15:90,804,286, plus strand): 5'-AAAAGTGTCTCAGAGGGAAGAGATGGTTAAAAAATGTCTTGGAGAACTTACAGAAGTCTG[C>A]AAATCTCTGGGGAAAGTTTTTGGTGTCCATTACTTCAATATTTTTAATACCGTCACTCTC-3'

ClinVar aggregate classification (germline): Pathogenic/Likely pathogenic. Review status: criteria provided, multiple submitters, no conflicts (2 of 4 stars). 4 submissions from 4 submitters: Pathogenic (1); Likely pathogenic (3). Last evaluated 2025-09-27.

Conditions:
Bloom syndrome (BLM). Also called: Bloom-Torre-Machacek syndrome. Identifiers: Orphanet 125, MedGen C0005859, MONDO:0008876, OMIM 210900.

Allele frequency attached by ClinVar (database versions not stated): gnomAD exomes below 0.00001.
gnomAD v4.1: 1 of 1,614,082 alleles (0.000062%); highest among the groups gnomAD compares: East Asian, 0.0022%; no homozygotes.

Submissions (4):

Labcorp Genetics (formerly Invitae), Labcorp
Classification: Pathogenic for Bloom syndrome. Last evaluated: 2025-09-27. Review status: criteria provided, single submitter. Criteria: Invitae Variant Classification Sherloc (09022015). Collection method: clinical testing. Allele origin: germline.
Comment: This sequence change creates a premature translational stop signal (p.Cys1226*) in the BLM gene. It is expected to result in an absent or disrupted protein product. Loss-of-function variants in BLM are known to be pathogenic (PMID: 17407155). This variant is not present in population databases (gnomAD no frequency). This variant has not been reported in the literature in individuals affected with BLM-related conditions. ClinVar contains an entry for this variant (Variation ID: 1450937). Algorithms developed to predict the effect of sequence changes on RNA splicing suggest that this variant may disrupt the consensus splice site. For these reasons, this variant has been classified as Pathogenic.

Natera, Inc.
Classification: Likely pathogenic for Bloom syndrome. Last evaluated: 2024-12-18. Review status: criteria provided, single submitter. Criteria: Natera Variant Classification Schema (03/2026). Collection method: clinical testing. Allele origin: germline.
Comment: The c.3678C>A variant in BLM is a nonsense variant predicted to introduce a stop codon at amino acid 1226. This variant is expected to result in nonsense mediated decay, truncation, or a dysfunctional protein product. This variant is rare in the general population with a frequency below the threshold expected for the associated phenotype(s). Given the available evidence, this variant is classified as Likely Pathogenic.

Baylor Genetics
Classification: Likely pathogenic for Bloom syndrome. Last evaluated: 2021-11-25. Review status: criteria provided, single submitter. Criteria: ACMG Guidelines, 2015. Collection method: clinical testing. Allele origin: unknown.

Juno Genomics, Hangzhou Juno Genomics, Inc
Classification: Likely pathogenic for Bloom syndrome. Review status: criteria provided, single submitter. Criteria: ACMG Guidelines, 2015. Collection method: clinical testing. Allele origin: germline.
Comment: Null variant in a gene where loss of function (LOF) is a known mechanism of disease.;Absent from controls (or at extremely low frequency if recessive) in Genome Aggregation Database.

Literature cited by the submitters: PubMed 17407155 (cited by Labcorp Genetics (formerly Invitae), Labcorp).